The following is an entry in ClinVar:

ClinVar aggregate classification (germline): Likely benign. Review status: criteria provided, multiple submitters, no conflicts (2 of 4 stars). 2 submissions from 2 submitters: Likely benign (2). Last evaluated 2025-02-05.

Conditions:
POLD1-related polyposis and colorectal cancer syndrome (CRCS10). Also called: Colorectal cancer, susceptibility to, 10; Colorectal cancer 10; COLORECTAL CANCER, SUSCEPTIBILITY TO, ON CHROMOSOME 19q. Identifiers: Orphanet 220460, MedGen C2675481, MONDO:0012953, OMIM 612591.

Submissions (2):

Myriad Genetics, Inc.
Classification: Likely benign for POLD1-related polyposis and colorectal cancer syndrome. Last evaluated: 2025-02-05. Review status: criteria provided, single submitter. Criteria: Myriad Autosomal Dominant, Autosomal Recessive and X-Linked Classification Criteria (2023). Collection method: clinical testing. Allele origin: unknown.
Comment: This variant is considered likely benign. This variant is intronic and is not expected to impact mRNA splicing.

Labcorp Genetics (formerly Invitae), Labcorp
Classification: Likely benign for POLD1-related polyposis and colorectal cancer syndrome. Last evaluated: 2024-12-02. Review status: criteria provided, single submitter. Criteria: Invitae Variant Classification Sherloc (09022015). Collection method: clinical testing. Allele origin: germline.

NM_002691.4(POLD1):c.1242+7G>C

Gene: POLD1 (DNA polymerase delta 1, catalytic subunit; plus strand). Cytogenetic location: 19q13.33.
Variant type: single nucleotide variant.
Coding change: c.1242+7G>C on transcript NM_002691.4 (MANE Select); 7 bases into the intron after coding-DNA position 1242, G replaced by C.
Molecular consequence: intron variant.
Genome position (GRCh38, 1-based): chr19:50,403,604, G>C. VCF-style: chr19-50403604-G-C. GRCh37 (hg19) VCF-style: chr19-50906861-G-C.
Other names: c.1242+7G>C (NM_001256849.1, NM_001308632.1).
Identifiers: ClinVar variation 1085363 (VCV001085363.10), dbSNP rs1601206581, ClinGen allele CA2499225559.